The following is an entry in ClinVar:

NM_001283009.2(RTEL1):c.2930G>A (p.Gly977Asp)

Genes: RTEL1-TNFRSF6B (RTEL1-TNFRSF6B readthrough (NMD candidate); plus strand), RTEL1 (regulator of telomere elongation helicase 1; plus strand). Cytogenetic location: 20q13.33.
Variant type: single nucleotide variant.
Coding change: c.2930G>A on transcript NM_001283009.2 (MANE Select); coding-DNA position 2930, G replaced by A.
Protein change: p.Gly977Asp; replaces glycine 977 with aspartic acid.
Molecular consequence: missense variant. On other transcripts: non-coding transcript variant (1).
Genome position (GRCh38, 1-based): chr20:63,693,221, G>A. VCF-style: chr20-63693221-G-A. GRCh37 (hg19) VCF-style: chr20-62324574-G-A.
Other names: c.3002G>A (NM_032957.4); c.2261G>A, p.Gly754Asp (NM_001283010.1); c.2930G>A, p.Gly977Asp (NM_016434.4); c.3002G>A, p.Gly1001Asp (NM_032957.5); short protein forms G1001D, G754D, G977D.
Identifiers: ClinVar variation 1311151 (VCV001311151.7), dbSNP rs2145449091, ClinGen allele CA409683326.
Genomic context (GRCh38, chr20:63,693,221, plus strand): 5'-GGCCCCACCATAAGCAGCAGTTTGAGGAGGTCTGTATCCAGCTGACAGGACGAGGCTGTG[G>A]CTATCGGCCTGAGCACAGCATTCCCCGAAGGCAGCGGGCACAGCCGGTCCTGGACCCCAC-3'
Protein context (NP_001269938.1, residues 967-987): VCIQLTGRGC[Gly977Asp]YRPEHSIPRR

ClinVar aggregate classification (germline): Uncertain significance. Review status: criteria provided, multiple submitters, no conflicts (2 of 4 stars). 4 submissions from 4 submitters: Uncertain significance (3). 1 of the submissions does not count toward it. Last evaluated 2025-09-02.

Conditions:
Inborn genetic diseases. Identifiers: MedGen C0950123, MeSH D030342.
Pulmonary fibrosis and/or bone marrow failure, Telomere-related, 3. Also called: PULMONARY FIBROSIS AND/OR BONE MARROW FAILURE SYNDROME, TELOMERE-RELATED, 3. Identifiers: Orphanet 2032, MedGen C4225346, MONDO:0014613, OMIM 616373.
Dyskeratosis congenita, autosomal recessive 5 (DKCB5). Identifiers: MedGen C3554656, MONDO:0014076, OMIM 615190.
Dyskeratosis congenita. Identifiers: Orphanet 1775, MedGen C0265965, MONDO:0015780.

Allele frequency attached by ClinVar (database versions not stated): gnomAD exomes below 0.00001.
gnomAD v4.1: 2 of 1,612,126 alleles (0.00012%); highest among the groups gnomAD compares: Non-Finnish European, 0.00017%; no homozygotes.

Submissions (4):

Labcorp Genetics (formerly Invitae), Labcorp
Classification: Uncertain significance for Dyskeratosis congenita, autosomal recessive 5; Pulmonary fibrosis and/or bone marrow failure, Telomere-related, 3. Last evaluated: 2025-09-02. Review status: criteria provided, single submitter. Criteria: Invitae Variant Classification Sherloc (09022015). Collection method: clinical testing. Allele origin: germline.
Comment: This sequence change replaces glycine, which is neutral and non-polar, with aspartic acid, which is acidic and polar, at codon 977 of the RTEL1 protein (p.Gly977Asp). This variant is not present in population databases (gnomAD no frequency). This variant has not been reported in the literature in individuals affected with RTEL1-related conditions. ClinVar contains an entry for this variant (Variation ID: 1311151). An algorithm developed to predict the effect of missense changes on protein structure and function (PolyPhen-2) suggests that this variant is likely to be disruptive. In summary, the available evidence is currently insufficient to determine the role of this variant in disease. Therefore, it has been classified as a Variant of Uncertain Significance.

Ambry Genetics
Classification: Uncertain significance for Inborn genetic diseases. Last evaluated: 2024-12-02. Review status: criteria provided, single submitter. Criteria: Ambry Variant Classification Scheme 2023. Collection method: clinical testing. Allele origin: germline.
Comment: The p.G977D variant (also known as c.2930G>A), located in coding exon 29 of the RTEL1 gene, results from a G to A substitution at nucleotide position 2930. The glycine at codon 977 is replaced by aspartic acid, an amino acid with similar properties. This amino acid position is conserved. In addition, this alteration is predicted to be tolerated by in silico analysis. Based on the available evidence, the clinical significance of this variant remains unclear.

GeneDx
Classification: Uncertain significance. Last evaluated: 2019-12-10. Review status: criteria provided, single submitter. Criteria: GeneDx Variant Classification Process June 2021. Collection method: clinical testing. Allele origin: germline. Affected: yes.
Comment: Not observed in large population cohorts (Lek et al., 2016); In silico analysis, which includes protein predictors and evolutionary conservation, supports a deleterious effect; Has not been previously published as pathogenic or benign to our knowledge

Natera, Inc.
Classification: Uncertain significance for Dyskeratosis congenita. Last evaluated: 2025-01-30. Review status: no assertion criteria provided. Collection method: clinical testing. Allele origin: germline. Not counted in ClinVar's aggregate classification.